The following is an entry in ClinVar:

NM_001081.4(CUBN):c.9783del (p.Thr3261_Leu3262insTer)

Gene: CUBN (cubilin; minus strand). Cytogenetic location: 10p13.
Variant type: Deletion.
Coding change: c.9783del on transcript NM_001081.4 (MANE Select); coding-DNA position 9783, one base deleted (A; older notation c.9783delA).
Protein change: p.Thr3261_Leu3262insTer.
Molecular consequence: frameshift variant.
Genome position (GRCh38, 1-based): chr10:16,840,928, T deleted on the plus strand (A on the coding strand, the reverse complement: CUBN is on the minus strand). VCF-style (leftmost placement, unchanged base first): chr10-16840927-AT-A. GRCh37 (hg19) VCF-style: chr10-16882926-AT-A.
Identifiers: ClinVar variation 1992848 (VCV001992848.4), dbSNP rs2491160372, ClinGen allele CA2580081400.
Genomic context (GRCh38, chr10:16,840,927, plus strand): 5'-ATGCTTCTATTTACTCACTGTCCATGATGGTGTATGTAGCATTAAATCCTTCCCTCTCTA[AT>A]GTTAAGTCACTGATGAATTGAACCGTAAGGAAGTTACCAGAAGAGATAAAAGGAGCAGGT-3'

ClinVar aggregate classification (germline): Pathogenic (1 of 4 stars; one submission).

Conditions:
Imerslund-Grasbeck syndrome. Also called: ENTEROCYTE COBALAMIN MALABSORPTION; ENTEROCYTE INTRINSIC FACTOR RECEPTOR, DEFECT OF; PERNICIOUS ANEMIA, JUVENILE, DUE TO SELECTIVE INTESTINAL MALABSORPTION OF VITAMIN B12, WITH PROTEINURIA; Megaloblastic anemia due to inborn errors of metabolism; Imerslund-Gräsbeck syndrome. Identifiers: Orphanet 35858, MedGen C4551825, MONDO:0009853.

Submission:

Labcorp Genetics (formerly Invitae), Labcorp
Classification: Pathogenic for Imerslund-Grasbeck syndrome. Last evaluated: 2022-05-10. Review status: criteria provided, single submitter. Criteria: Invitae Variant Classification Sherloc (09022015). Collection method: clinical testing. Allele origin: germline.
Comment: This sequence change creates a premature translational stop signal (p.Leu3262*) in the CUBN gene. It is expected to result in an absent or disrupted protein product. Loss-of-function variants in CUBN are known to be pathogenic (PMID: 15024727, 22929189). This variant is not present in population databases (gnomAD no frequency). This variant has not been reported in the literature in individuals affected with CUBN-related conditions. For these reasons, this variant has been classified as Pathogenic.

Literature cited by the submitters: PubMed 15024727; PubMed 22929189.